The following is an entry in ClinVar:

NM_003458.4(BSN):c.10991G>A (p.Arg3664Gln)

Gene: BSN (bassoon presynaptic cytomatrix protein; plus strand). Cytogenetic location: 3p21.31.
Variant type: single nucleotide variant.
Coding change: c.10991G>A on transcript NM_003458.4 (MANE Select); coding-DNA position 10991, G replaced by A.
Protein change: p.Arg3664Gln; replaces arginine 3664 with glutamine.
Molecular consequence: missense variant.
Genome position (GRCh38, 1-based): chr3:49,663,149, G>A. VCF-style: chr3-49663149-G-A. GRCh37 (hg19) VCF-style: chr3-49700582-G-A.
Other names: short protein forms R3664Q.
Identifiers: ClinVar variation 3037871 (VCV003037871.2), dbSNP rs140013456, ClinGen allele CA2401397.

ClinVar aggregate classification (germline): Likely benign (0 of 4 stars; one submission).

Conditions:
BSN-related disorder. Also called: BSN-related condition.

Allele frequency attached by ClinVar (database versions not stated): 1000 Genomes Project 30x 0.00078; 1000 Genomes Project 0.00080; TOPMed 0.00289; ExAC 0.00294; gnomAD 0.00322; ESP Exome Variant Server 0.00377; gnomAD exomes 0.00408.
gnomAD v4.1: 6,419 of 1,612,614 alleles (0.4%); highest among the groups gnomAD compares: Non-Finnish European, 0.48%; 16 homozygotes.

Submission:

PreventionGenetics, part of Exact Sciences
Classification: Likely benign for BSN-related condition. Last evaluated: 2019-03-14. Review status: no assertion criteria provided. Collection method: clinical testing. Allele origin: germline.
Comment: This variant is classified as likely benign based on ACMG/AMP sequence variant interpretation guidelines (Richards et al. 2015 PMID: 25741868, with internal and published modifications).